The following is an entry in ClinVar:

NM_001060.6(TBXA2R):c.280G>A (p.Glu94Lys)

Gene: TBXA2R (thromboxane A2 receptor; minus strand). Cytogenetic location: 19p13.3.
Variant type: single nucleotide variant.
Coding change: c.280G>A on transcript NM_001060.6 (MANE Select); coding-DNA position 280, G replaced by A.
Protein change: p.Glu94Lys; replaces glutamic acid 94 with lysine.
Molecular consequence: missense variant.
Genome position (GRCh38, 1-based): chr19:3,600,355, C>T on the plus strand (G>A on the coding strand, the complement: TBXA2R is on the minus strand). VCF-style: chr19-3600355-C-T. GRCh37 (hg19) VCF-style: chr19-3600353-C-T.
Other names: c.280G>A, p.Glu94Lys (NM_201636.3); short protein forms E94K.
Identifiers: ClinVar variation 2871004 (VCV002871004.3), dbSNP rs201588450, ClinGen allele CA9080882.
Genomic context (GRCh38, chr19:3,600,355, plus strand): 5'-AGATCATGACGACGCCCATGAAGCGACAGAGACGGCAGCCAGGGTCCACGGCGTGCCACT[C>T]GAAGAGCGCGGCGTGCTGGGACACCACGATGGTACCGGTCACCAGCAGCCCCAGGAAGTC-3'
Protein context (NP_001051.1, residues 84-104): IVVSQHAALF[Glu94Lys]WHAVDPGCRL

ClinVar aggregate classification (germline): Uncertain significance (1 of 4 stars; one submission).

Allele frequency attached by ClinVar (database versions not stated): TOPMed 0.00002.
gnomAD v4.1: 12 of 1,613,306 alleles (0.00074%); highest among the groups gnomAD compares: Non-Finnish European, 0.00093%; no homozygotes.

Submission:

Labcorp Genetics (formerly Invitae), Labcorp
Classification: Uncertain significance. Last evaluated: 2024-01-12. Review status: criteria provided, single submitter. Criteria: Invitae Variant Classification Sherloc (09022015). Collection method: clinical testing. Allele origin: germline.
Comment: This sequence change replaces glutamic acid, which is acidic and polar, with lysine, which is basic and polar, at codon 94 of the TBXA2R protein (p.Glu94Lys). This variant is present in population databases (rs201588450, gnomAD 0.0009%). This variant has not been reported in the literature in individuals affected with TBXA2R-related conditions. Advanced modeling of protein sequence and biophysical properties (such as structural, functional, and spatial information, amino acid conservation, physicochemical variation, residue mobility, and thermodynamic stability) performed at Invitae indicates that this missense variant is not expected to disrupt TBXA2R protein function with a negative predictive value of 80%. In summary, the available evidence is currently insufficient to determine the role of this variant in disease. Therefore, it has been classified as a Variant of Uncertain Significance.